The following is an entry in ClinVar:

NM_001318852.2(MAPK8IP3):c.3249C>T (p.Asp1083=)

Gene: MAPK8IP3 (mitogen-activated protein kinase 8 interacting protein 3; plus strand). Cytogenetic location: 16p13.3.
Variant type: single nucleotide variant.
Coding change: c.3249C>T on transcript NM_001318852.2 (MANE Select); coding-DNA position 3249, C replaced by T.
Protein change: p.Asp1083=; no amino-acid change (aspartic acid 1083 retained).
Molecular consequence: synonymous variant.
Genome position (GRCh38, 1-based): chr16:1,767,575, C>T. VCF-style: chr16-1767575-C-T. GRCh37 (hg19) VCF-style: chr16-1817576-C-T.
Other names: c.3246C>T, p.Asp1082= (NM_015133.5); c.3228C>T, p.Asp1076= (NM_001040439.2).
Identifiers: ClinVar variation 4821169 (VCV004821169.4).

ClinVar aggregate classification (germline): Likely benign (1 of 4 stars; one submission).

Submission:

CeGaT Center for Human Genetics Tuebingen
Classification: Likely benign. Last evaluated: 2026-03-01. Review status: criteria provided, single submitter. Criteria: CeGaT Center For Human Genetics Tuebingen Variant Classification Criteria Version 2. Collection method: clinical testing. Allele origin: germline. Affected: yes. Observed: 1 variant allele.
Comment: MAPK8IP3: BP4, BP7